The following is an entry in ClinVar:

ClinVar aggregate classification (germline): Uncertain significance (1 of 4 stars; one submission).

Conditions:
Nephronophthisis. Also called: Juvenile Nephronophthisis. Identifiers: Orphanet 655, MedGen C0687120, MONDO:0019005, HP:0000090.

Submission:

Labcorp Genetics (formerly Invitae), Labcorp
Classification: Uncertain significance for Nephronophthisis. Last evaluated: 2024-05-20. Review status: criteria provided, single submitter. Criteria: Invitae Variant Classification Sherloc (09022015). Collection method: clinical testing. Allele origin: germline.
Comment: This sequence change falls in intron 11 of the NPHP1 gene. It does not directly change the encoded amino acid sequence of the NPHP1 protein. It affects a nucleotide within the consensus splice site. This variant is not present in population databases (gnomAD no frequency). This variant has not been reported in the literature in individuals affected with NPHP1-related conditions. ClinVar contains an entry for this variant (Variation ID: 2112269). Variants that disrupt the consensus splice site are a relatively common cause of aberrant splicing (PMID: 17576681, 9536098). Algorithms developed to predict the effect of sequence changes on RNA splicing suggest that this variant is not likely to affect RNA splicing. In summary, the available evidence is currently insufficient to determine the role of this variant in disease. Therefore, it has been classified as a Variant of Uncertain Significance.

Literature cited by the submitters: PubMed 17576681; PubMed 9536098.

NM_001128178.3(NPHP1):c.1083+6G>T

Gene: NPHP1 (nephrocystin 1; minus strand). Cytogenetic location: 2q13.
Variant type: single nucleotide variant.
Coding change: c.1083+6G>T on transcript NM_001128178.3 (MANE Select); 6 bases into the intron after coding-DNA position 1083, G replaced by T.
Molecular consequence: intron variant.
Genome position (GRCh38, 1-based): chr2:110,160,121, C>A on the plus strand (G>T on the coding strand, the complement: NPHP1 is on the minus strand). VCF-style: chr2-110160121-C-A. GRCh37 (hg19) VCF-style: chr2-110917698-C-A.
Other names: c.894+6G>T (NM_001128179.3); c.1080+6G>T (NM_001374256.1); c.1083+6G>T (NM_001374257.1); c.1248+6G>T (NM_207181.4); c.1251+6G>T (NM_000272.5).
Identifiers: ClinVar variation 2112269 (VCV002112269.4), dbSNP rs1682199462, ClinGen allele CA2580063727.